The following is an entry in ClinVar:

NM_000836.4(GRIN2D):c.3196C>G (p.Pro1066Ala)

Gene: GRIN2D (glutamate ionotropic receptor NMDA type subunit 2D; plus strand). Cytogenetic location: 19q13.33.
Variant type: single nucleotide variant.
Coding change: c.3196C>G on transcript NM_000836.4 (MANE Select); coding-DNA position 3196, C replaced by G.
Protein change: p.Pro1066Ala; replaces proline 1066 with alanine.
Molecular consequence: missense variant.
Genome position (GRCh38, 1-based): chr19:48,443,122, C>G. VCF-style: chr19-48443122-C-G. GRCh37 (hg19) VCF-style: chr19-48946379-C-G.
Other names: short protein forms P1066A.
Identifiers: ClinVar variation 2916312 (VCV002916312.3), dbSNP rs1386318829, ClinGen allele CA406675080.

ClinVar aggregate classification (germline): Uncertain significance (1 of 4 stars; one submission).

Allele frequency attached by ClinVar (database versions not stated): gnomAD 0.00001; TOPMed 0.00002.
gnomAD v4.1: 10 of 1,011,148 alleles (0.00099%); highest among the groups gnomAD compares: African/African-American, 0.0035%; no homozygotes.

Submission:

Labcorp Genetics (formerly Invitae), Labcorp
Classification: Uncertain significance. Last evaluated: 2023-03-01. Review status: criteria provided, single submitter. Criteria: Invitae Variant Classification Sherloc (09022015). Collection method: clinical testing. Allele origin: germline.
Comment: This sequence change replaces proline, which is neutral and non-polar, with alanine, which is neutral and non-polar, at codon 1066 of the GRIN2D protein (p.Pro1066Ala). The frequency data for this variant in the population databases is considered unreliable, as metrics indicate insufficient coverage at this position in the gnomAD database. Advanced modeling of protein sequence and biophysical properties (such as structural, functional, and spatial information, amino acid conservation, physicochemical variation, residue mobility, and thermodynamic stability) performed at Invitae indicates that this missense variant is not expected to disrupt GRIN2D protein function. In summary, the available evidence is currently insufficient to determine the role of this variant in disease. Therefore, it has been classified as a Variant of Uncertain Significance. This variant has not been reported in the literature in individuals affected with GRIN2D-related conditions.